The following is an entry in ClinVar:

NC_000023.10:g.(?_38132619)_(38164063_?)del

Gene: RPGR (retinitis pigmentosa GTPase regulator; minus strand). Cytogenetic location: Xp11.4.
Variant type: Deletion.
Identifiers: ClinVar variation 2422898 (VCV002422898.12).

ClinVar aggregate classification (germline): Pathogenic (1 of 4 stars; one submission).

Conditions:
Primary ciliary dyskinesia. Also called: Ciliary dyskinesia. Identifiers: Orphanet 244, MedGen C0008780, MONDO:0016575, HP:0012265.

Submission:

Labcorp Genetics (formerly Invitae), Labcorp
Classification: Pathogenic for Primary ciliary dyskinesia. Last evaluated: 2023-10-13. Review status: criteria provided, single submitter. Criteria: Invitae Variant Classification Sherloc (09022015). Collection method: clinical testing. Allele origin: germline.
Comment: This variant is a gross deletion of the genomic region encompassing exon(s) 8-18 of the RPGR gene. While this deletion is not anticipated to lead to nonsense mediated decay, it is expected to disrupt the C-terminus of the protein. This variant has not been reported in the literature in individuals affected with RPGR-related conditions. This variant disrupts a region of the RPGR protein in which other variant(s) (p.Cys302Tyr) have been determined to be pathogenic (PMID: 10937588). This suggests that this is a clinically significant region of the protein, and that variants that disrupt it are likely to be disease-causing. For these reasons, this variant has been classified as Pathogenic.

Literature cited by the submitters: PubMed 10937588.